The following is an entry in ClinVar:

NM_001204288.2(MUC1):c.568C>T (p.Arg190Trp)

Gene: MUC1 (mucin 1, cell surface associated; minus strand). Cytogenetic location: 1q22.
Variant type: single nucleotide variant.
Coding change: c.568C>T on transcript NM_001204288.2; coding-DNA position 568, C replaced by T.
Protein change: p.Arg190Trp; replaces arginine 190 with tryptophan.
Molecular consequence: missense variant. On other transcripts: synonymous variant (18).
Genome position (GRCh38, 1-based): chr1:155,187,345, G>A on the plus strand (C>T on the coding strand, the complement: MUC1 is on the minus strand). VCF-style: chr1-155187345-G-A. GRCh37 (hg19) VCF-style: chr1-155159821-G-A.
Other names: c.600C>T, p.Tyr200= (NM_001018016.3); c.573C>T, p.Tyr191= (NM_001018017.3); c.417C>T, p.Tyr139= (NM_001044390.3); c.258C>T, p.Tyr86= (NM_001044391.3); c.285C>T, p.Tyr95= (NM_001044392.3); c.385C>T, p.Arg129Trp (NM_001044393.3); c.1233C>T, p.Tyr411= (NM_001204285.2); c.1260C>T, p.Tyr420= (NM_001204286.1); and 12 more; short protein forms R129W, R169W, R190W.
Identifiers: ClinVar variation 4987447 (VCV004987447.1).

ClinVar aggregate classification (germline): Uncertain significance (1 of 4 stars; one submission).

Conditions:
MUC1-related disorder. Also called: MUC1-related condition.

Submission:

PreventionGenetics, part of Exact Sciences
Classification: Uncertain significance for MUC1-related condition. Last evaluated: 2025-03-19. Review status: criteria provided, single submitter. Criteria: ACMG Guidelines, 2015. Collection method: clinical testing. Allele origin: germline.
Comment: The MUC1 c.568C>T variant is predicted to result in the amino acid substitution p.Arg190Trp. To our knowledge, this variant has not been reported in the literature. This variant is reported in 0.0018% of alleles in individuals of European (Non-Finnish) descent in gnomAD. At this time, the clinical significance of this variant is uncertain due to the absence of conclusive functional and genetic evidence.